The following is an entry in ClinVar:

NM_003366.4(UQCRC2):c.625G>A (p.Val209Ile)

Genes: PDZD9 (PDZ domain containing 9), UQCRC2 (ubiquinol-cytochrome c reductase core protein 2). Cytogenetic location: 16p12.2.
Variant type: single nucleotide variant.
Coding change: c.625G>A on transcript NM_003366.4 (MANE Select); coding-DNA position 625, G replaced by A.
Protein change: p.Val209Ile; replaces valine 209 with isoleucine.
Molecular consequence: missense variant.
Genome position (GRCh38, 1-based): chr16:21,968,640, G>A. VCF-style: chr16-21968640-G-A. GRCh37 (hg19) VCF-style: chr16-21979961-G-A.
Other names: short protein forms V209I.
Identifiers: ClinVar variation 1475270 (VCV001475270.6), dbSNP rs765156352, ClinGen allele CA7953815.

ClinVar aggregate classification (germline): Uncertain significance (1 of 4 stars; one submission).

Allele frequency attached by ClinVar (database versions not stated): gnomAD exomes 0.00001 and 0.00003; TOPMed 0.00001; ExAC 0.00004; 1000 Genomes Project 30x 0.00016.
gnomAD v4.1: 12 of 1,606,898 alleles (0.00075%); highest among the groups gnomAD compares: Middle Eastern, 0.017%; no homozygotes.

Submission:

Labcorp Genetics (formerly Invitae), Labcorp
Classification: Uncertain significance. Last evaluated: 2024-11-11. Review status: criteria provided, single submitter. Criteria: Invitae Variant Classification Sherloc (09022015). Collection method: clinical testing. Allele origin: germline.
Comment: This sequence change replaces valine, which is neutral and non-polar, with isoleucine, which is neutral and non-polar, at codon 209 of the UQCRC2 protein (p.Val209Ile). This variant is present in population databases (rs765156352, gnomAD 0.02%). This variant has not been reported in the literature in individuals affected with UQCRC2-related conditions. ClinVar contains an entry for this variant (Variation ID: 1475270). Invitae Evidence Modeling of protein sequence and biophysical properties (such as structural, functional, and spatial information, amino acid conservation, physicochemical variation, residue mobility, and thermodynamic stability) indicates that this missense variant is not expected to disrupt UQCRC2 protein function with a negative predictive value of 80%. In summary, the available evidence is currently insufficient to determine the role of this variant in disease. Therefore, it has been classified as a Variant of Uncertain Significance.